The following is an entry in ClinVar:

ClinVar aggregate classification (germline): Uncertain significance (1 of 4 stars; one submission).

Conditions:
Inborn genetic diseases. Identifiers: MedGen C0950123, MeSH D030342.

Submission:

Ambry Genetics
Classification: Uncertain significance for Inborn genetic diseases. Last evaluated: 2024-12-30. Review status: criteria provided, single submitter. Criteria: Ambry Variant Classification Scheme 2023. Collection method: clinical testing. Allele origin: germline.
Comment: The p.K252T variant (also known as c.755A>C), located in coding exon 3 of the MBD4 gene, results from an A to C substitution at nucleotide position 755. The lysine at codon 252 is replaced by threonine, an amino acid with similar properties. This amino acid position is conserved. In addition, the in silico prediction for this alteration is inconclusive. Based on the available evidence, the clinical significance of this variant remains unclear.

NM_001276270.2(MBD4):c.755A>C (p.Lys252Thr)

Gene: MBD4 (methyl-CpG binding domain 4, DNA glycosylase; minus strand). Cytogenetic location: 3q21.3.
Variant type: single nucleotide variant.
Coding change: c.755A>C on transcript NM_001276270.2 (MANE Select); coding-DNA position 755, A replaced by C.
Protein change: p.Lys252Thr; replaces lysine 252 with threonine.
Molecular consequence: missense variant. On other transcripts: intron variant (1).
Genome position (GRCh38, 1-based): chr3:129,436,889, T>G on the plus strand (A>C on the coding strand, the complement: MBD4 is on the minus strand). VCF-style: chr3-129436889-T-G. GRCh37 (hg19) VCF-style: chr3-129155732-T-G.
Other names: c.755A>C, p.Lys252Thr (NM_001276271.2, NM_001276272.2, NM_003925.3); c.247+919A>C (NM_001276273.2); short protein forms K252T.
Identifiers: ClinVar variation 3870880 (VCV003870880.1).